The following is an entry in ClinVar:

NC_000017.10:g.(?_39973290)_(39974799_?)del

Gene: FKBP10 (FKBP prolyl isomerase 10; plus strand). Cytogenetic location: 17q21.2.
Variant type: Deletion.
Identifiers: ClinVar variation 3243202 (VCV003243202.1).

ClinVar aggregate classification (germline): Pathogenic (1 of 4 stars; one submission).

Submission:

Labcorp Genetics (formerly Invitae), Labcorp
Classification: Pathogenic. Last evaluated: 2023-02-28. Review status: criteria provided, single submitter. Criteria: Invitae Variant Classification Sherloc (09022015). Collection method: clinical testing. Allele origin: unknown.
Comment: This variant is a gross deletion of the genomic region encompassing exon(s) 2-4 of the FKBP10 gene. This deletion is out-of-frame, and is expected to create a premature termination codon and result in an absent or disrupted protein product. Loss-of-function variants in FKBP10 are known to be pathogenic (PMID: 22689593, 22949511). This variant has not been reported in the literature in individuals affected with FKBP10-related conditions. For these reasons, this variant has been classified as Pathogenic.

Literature cited by the submitters: PubMed 22689593; PubMed 22949511.